The following is an entry in ClinVar:

ClinVar aggregate classification (germline): Uncertain significance (1 of 4 stars; one submission).

Allele frequency attached by ClinVar (database versions not stated): gnomAD exomes below 0.00001.
gnomAD v4.1: 6 of 1,613,962 alleles (0.00037%); highest among the groups gnomAD compares: Non-Finnish European, 0.00042%; no homozygotes.

Submission:

Labcorp Genetics (formerly Invitae), Labcorp
Classification: Uncertain significance. Last evaluated: 2024-09-08. Review status: criteria provided, single submitter. Criteria: Invitae Variant Classification Sherloc (09022015). Collection method: clinical testing. Allele origin: germline.
Comment: This sequence change replaces proline, which is neutral and non-polar, with serine, which is neutral and polar, at codon 822 of the PCLO protein (p.Pro822Ser). This variant is not present in population databases (gnomAD no frequency). This variant has not been reported in the literature in individuals affected with PCLO-related conditions. ClinVar contains an entry for this variant (Variation ID: 1935246). An algorithm developed to predict the effect of missense changes on protein structure and function outputs the following: PolyPhen-2: "Not Available". The serine amino acid residue is found in multiple mammalian species, which suggests that this missense change does not adversely affect protein function. In summary, the available evidence is currently insufficient to determine the role of this variant in disease. Therefore, it has been classified as a Variant of Uncertain Significance.

NM_033026.6(PCLO):c.2464C>T (p.Pro822Ser)

Gene: PCLO (piccolo presynaptic cytomatrix protein; minus strand). Cytogenetic location: 7q21.11.
Variant type: single nucleotide variant.
Coding change: c.2464C>T on transcript NM_033026.6 (MANE Select); coding-DNA position 2464, C replaced by T.
Protein change: p.Pro822Ser; replaces proline 822 with serine.
Molecular consequence: missense variant.
Genome position (GRCh38, 1-based): chr7:83,135,086, G>A on the plus strand (C>T on the coding strand, the complement: PCLO is on the minus strand). VCF-style: chr7-83135086-G-A. GRCh37 (hg19) VCF-style: chr7-82764402-G-A.
Other names: c.2464C>T, p.Pro822Ser (NM_014510.3); short protein forms P822S.
Identifiers: ClinVar variation 1935246 (VCV001935246.4), dbSNP rs1277479794, ClinGen allele CA367900631.